The following is an entry in ClinVar:

ClinVar aggregate classification (germline): Likely benign. Review status: criteria provided, multiple submitters, no conflicts (2 of 4 stars). 2 submissions from 2 submitters: Likely benign (2). Last evaluated 2026-09-01.

Allele frequency attached by ClinVar (database versions not stated): TOPMed 0.00005; 1000 Genomes Project 0.00020; 1000 Genomes Project 30x 0.00031.
gnomAD v4.1: 56 of 1,614,088 alleles (0.0035%); highest among the groups gnomAD compares: Admixed American, 0.087%; no homozygotes.

Submissions (2):

CeGaT Center for Human Genetics Tuebingen
Classification: Likely benign. Last evaluated: 2026-09-01. Review status: criteria provided, single submitter. Criteria: CeGaT Center For Human Genetics Tuebingen Variant Classification Criteria Version 2. Collection method: clinical testing. Allele origin: germline. Affected: yes. Observed: 1 variant allele.
Comment: ZNF407: BP4, BP7

Labcorp Genetics (formerly Invitae), Labcorp
Classification: Likely benign. Last evaluated: 2018-05-16. Review status: criteria provided, single submitter. Criteria: Invitae Variant Classification Sherloc (09022015). Collection method: clinical testing. Allele origin: germline.

NM_017757.3(ZNF407):c.3150A>G (p.Ala1050=)

Genes: ZNF407 (zinc finger protein 407; plus strand), LOC126862798 (MED14-independent group 3 enhancer GRCh37_chr18:72345358-72346557; plus strand). Cytogenetic location: 18q22.3.
Variant type: single nucleotide variant.
Coding change: c.3150A>G on transcript NM_017757.3 (MANE Select); coding-DNA position 3150, A replaced by G.
Protein change: p.Ala1050=; no amino-acid change (alanine 1050 retained).
Molecular consequence: synonymous variant.
Genome position (GRCh38, 1-based): chr18:74,634,169, A>G. VCF-style: chr18-74634169-A-G. GRCh37 (hg19) VCF-style: chr18-72346125-A-G.
Other names: c.3150A>G, p.Ala1050= (NM_001146189.1, NM_001146190.1, NM_001384475.1).
Identifiers: ClinVar variation 724407 (VCV000724407.4), dbSNP rs200465885, ClinGen allele CA9000630.